The following is an entry in ClinVar:

NM_003673.4(TCAP):c.52C>T (p.Arg18Trp)

Gene: TCAP (titin-cap; plus strand). Cytogenetic location: 17q12.
Variant type: single nucleotide variant.
Coding change: c.52C>T on transcript NM_003673.4 (MANE Select); coding-DNA position 52, C replaced by T.
Protein change: p.Arg18Trp; replaces arginine 18 with tryptophan.
Molecular consequence: missense variant.
Genome position (GRCh38, 1-based): chr17:39,665,411, C>T. VCF-style: chr17-39665411-C-T. GRCh37 (hg19) VCF-style: chr17-37821664-C-T.
Other names: p.Arg18Trp; short protein forms R18W.
Identifiers: ClinVar variation 263956 (VCV000263956.21), dbSNP rs886038989, ClinGen allele CA10587902.
Genomic context (GRCh38, chr17:39,665,411, plus strand): 5'-GGAGTGATCATGGCTACCTCAGAGCTGAGCTGCGAGGTGTCGGAGGAGAACTGTGAGCGC[C>T]GGGAGGCCTTCTGGGCAGAATGGAAGGATCTGACACTGTCCACACGGCCCGAGGAGGGGT-3'
Protein context (NP_003664.1, residues 8-28): CEVSEENCER[Arg18Trp]EAFWAEWKDL

ClinVar aggregate classification (germline): Uncertain significance. Review status: criteria provided, multiple submitters, no conflicts (2 of 4 stars). 6 submissions from 6 submitters: Uncertain significance (6). Last evaluated 2025-07-02.

Conditions:
Hypertrophic cardiomyopathy 25 (CMH25). Also called: CARDIOMYOPATHY, FAMILIAL HYPERTROPHIC, 25. Identifiers: MedGen C4225408, MONDO:0011843, OMIM 607487.
Primary familial hypertrophic cardiomyopathy (HCM). Identifiers: Orphanet 99739, MedGen C0949658, MeSH D024741, MONDO:0024573. Inheritance: Various modes of inheritance.
Cardiovascular phenotype. Identifiers: MedGen CN230736.

Allele frequency attached by ClinVar (database versions not stated): gnomAD exomes 0.00004 and 0.00002; gnomAD 0.00001 and 0.00002; TOPMed 0.00003.
gnomAD v4.1: 59 of 1,613,710 alleles (0.0037%); highest among the groups gnomAD compares: Non-Finnish European, 0.0045%; no homozygotes.

Submissions (6):

Labcorp Genetics (formerly Invitae), Labcorp
Classification: Uncertain significance for Hypertrophic cardiomyopathy 25; Primary familial hypertrophic cardiomyopathy. Last evaluated: 2025-07-02. Review status: criteria provided, single submitter. Criteria: Invitae Variant Classification Sherloc (09022015). Collection method: clinical testing. Allele origin: germline.
Comment: This sequence change replaces arginine, which is basic and polar, with tryptophan, which is neutral and slightly polar, at codon 18 of the TCAP protein (p.Arg18Trp). This variant is present in population databases (no rsID available, gnomAD 0.004%). This missense change has been observed in individual(s) with dilated cardiomyopathy (PMID: 31983221). ClinVar contains an entry for this variant (Variation ID: 263956). An algorithm developed to predict the effect of missense changes on protein structure and function (PolyPhen-2) suggests that this variant is likely to be disruptive. In summary, the available evidence is currently insufficient to determine the role of this variant in disease. Therefore, it has been classified as a Variant of Uncertain Significance.

Revvity Omics, Revvity
Classification: Uncertain significance. Last evaluated: 2024-12-04. Review status: criteria provided, single submitter. Criteria: ACMG Guidelines, 2015. Collection method: clinical testing. Allele origin: germline.

Ambry Genetics
Classification: Uncertain significance for Cardiovascular phenotype. Last evaluated: 2024-10-02. Review status: criteria provided, single submitter. Criteria: Ambry Variant Classification Scheme 2023. Collection method: clinical testing. Allele origin: germline.
Comment: The p.R18W variant (also known as c.52C>T), located in coding exon 1 of the TCAP gene, results from a C to T substitution at nucleotide position 52. The arginine at codon 18 is replaced by tryptophan, an amino acid with dissimilar properties. This variant has been detected in a dilated cardiomyopathy (DCM) cohort; however, details were limited (Mazzarotto F et al. Circulation. 2020 02;141(5):387-398). This amino acid position is not well conserved in available vertebrate species. In addition, the in silico prediction for this alteration is inconclusive. Since supporting evidence is limited at this time, the clinical significance of this alteration remains unclear.

Mayo Clinic Laboratories, Mayo Clinic
Classification: Uncertain significance. Last evaluated: 2022-10-03. Review status: criteria provided, single submitter. Criteria: ACMG Guidelines, 2015. Collection method: clinical testing. Allele origin: germline. Observed: 1 variant allele.

GeneDx
Classification: Uncertain significance. Last evaluated: 2020-02-10. Review status: criteria provided, single submitter. Criteria: GeneDx Variant Classification Process June 2021. Collection method: clinical testing. Allele origin: germline. Affected: yes.
Comment: Has not been previously published as pathogenic or benign to our knowledge; Reported in ClinVar as a variant of uncertain significance (ClinVar Variant ID# 263956; Landrum et al., 2016); Not observed at a significant frequency in large population cohorts (Lek et al., 2016); In silico analysis supports that this missense variant has a deleterious effect on protein structure/function; This variant is associated with the following publications: (PMID: 31983221)

Eurofins Ntd Llc (ga)
Classification: Uncertain significance. Last evaluated: 2017-01-05. Review status: criteria provided, single submitter. Criteria: EGL Classification Definitions 2015. Collection method: clinical testing. Allele origin: germline. Observed: 1 variant allele, 1 heterozygote.

Literature cited by the submitters: PubMed 31983221 (cited by Labcorp Genetics (formerly Invitae), Labcorp and Ambry Genetics); PubMed 19412328 (cited by Ambry Genetics).